The following is an entry in ClinVar:

ClinVar aggregate classification (germline): Pathogenic (1 of 4 stars; one submission).

Conditions:
Charcot-Marie-Tooth disease axonal type 2O. Also called: Charcot-Marie-Tooth Neuropathy Type 2O; CHARCOT-MARIE-TOOTH NEUROPATHY, AXONAL, TYPE 2O; CHARCOT-MARIE-TOOTH DISEASE, AXONAL, AUTOSOMAL DOMINANT, TYPE 2O; Charcot-Marie-Tooth disease, axonal, type 20. Identifiers: Orphanet 284232, MedGen C3280220, MONDO:0013644, OMIM 614228.

Submission:

Labcorp Genetics (formerly Invitae), Labcorp
Classification: Pathogenic for Charcot-Marie-Tooth disease axonal type 2O. Last evaluated: 2022-11-01. Review status: criteria provided, single submitter. Criteria: Invitae Variant Classification Sherloc (09022015). Collection method: clinical testing. Allele origin: germline.
Comment: Advanced modeling of protein sequence and biophysical properties (such as structural, functional, and spatial information, amino acid conservation, physicochemical variation, residue mobility, and thermodynamic stability) performed at Invitae indicates that this missense variant is not expected to disrupt DYNC1H1 protein function. Algorithms developed to predict the effect of sequence changes on RNA splicing suggest that this variant may create or strengthen a splice site. For these reasons, this variant has been classified as Pathogenic. This variant is not present in population databases (gnomAD no frequency). This sequence change replaces methionine, which is neutral and non-polar, with valine, which is neutral and non-polar, at codon 466 of the DYNC1H1 protein (p.Met466Val). This missense change has been observed in individual(s) with DYNC1H1-related conditons (Invitae). In at least one individual the variant was observed to be de novo. ClinVar contains an entry for this variant (Variation ID: 1520504).

NM_001376.5(DYNC1H1):c.1396A>G (p.Met466Val)

Gene: DYNC1H1 (dynein cytoplasmic 1 heavy chain 1; plus strand). Cytogenetic location: 14q32.31.
Variant type: single nucleotide variant.
Coding change: c.1396A>G on transcript NM_001376.5 (MANE Select); coding-DNA position 1396, A replaced by G.
Protein change: p.Met466Val; replaces methionine 466 with valine.
Molecular consequence: missense variant.
Genome position (GRCh38, 1-based): chr14:101,983,544, A>G. VCF-style: chr14-101983544-A-G. GRCh37 (hg19) VCF-style: chr14-102449881-A-G.
Other names: short protein forms M466V.
Identifiers: ClinVar variation 1520504 (VCV001520504.6), dbSNP rs2141272574, ClinGen allele CA391015886.